The following is an entry in ClinVar:

NM_001374353.1(GLI2):c.4617C>T (p.Ile1539=)

Gene: GLI2 (GLI family zinc finger 2; plus strand). Cytogenetic location: 2q14.2.
Variant type: single nucleotide variant.
Coding change: c.4617C>T on transcript NM_001374353.1 (MANE Select); coding-DNA position 4617, C replaced by T.
Protein change: p.Ile1539=; no amino-acid change (isoleucine 1539 retained).
Molecular consequence: synonymous variant.
Genome position (GRCh38, 1-based): chr2:120,990,582, C>T. VCF-style: chr2-120990582-C-T. GRCh37 (hg19) VCF-style: chr2-121748158-C-T.
Other names: c.4668C>T, p.Ile1556= (NM_001371271.1, NM_005270.5); c.4242C>T, p.Ile1414= (NM_001374354.1).
Identifiers: ClinVar variation 3045313 (VCV003045313.2), dbSNP rs144803259, ClinGen allele CA1852677.

ClinVar aggregate classification (germline): Likely benign (0 of 4 stars; one submission).

Conditions:
GLI2-related disorder. Also called: GLI2-related disorders; GLI2-related condition.

Allele frequency attached by ClinVar (database versions not stated): TOPMed below 0.00001; ExAC 0.00001; gnomAD 0.00001; gnomAD exomes 0.00001; ESP Exome Variant Server 0.00008.
gnomAD v4.1: 10 of 1,613,908 alleles (0.00062%); highest among the groups gnomAD compares: Non-Finnish European, 0.00076%; no homozygotes.

Submission:

PreventionGenetics, part of Exact Sciences
Classification: Likely benign for GLI2-related condition. Last evaluated: 2023-03-28. Review status: no assertion criteria provided. Collection method: clinical testing. Allele origin: germline.
Comment: This variant is classified as likely benign based on ACMG/AMP sequence variant interpretation guidelines (Richards et al. 2015 PMID: 25741868, with internal and published modifications).